The following is an entry in ClinVar:

ClinVar aggregate classification (germline): Uncertain significance. Review status: criteria provided, multiple submitters, no conflicts (2 of 4 stars). 2 submissions from 2 submitters: Uncertain significance (2). Last evaluated 2024-05-15.

Conditions:
Inborn genetic diseases. Identifiers: MedGen C0950123, MeSH D030342.
Tyrosinemia type I (TYRSN1). Also called: Tyrosinemia type 1; Fumarylacetoacetase deficiency; Deficiency of fumarylacetoacetase; HEPATORENAL TYROSINEMIA; FAH DEFICIENCY. Identifiers: Orphanet 882, MedGen C0268490, MONDO:0010161, OMIM 276700. Disease mechanism: loss of function.

Allele frequency attached by ClinVar (database versions not stated): gnomAD exomes below 0.00001 and 0.00001; ExAC 0.00002; gnomAD 0.00003; TOPMed 0.00003; ESP Exome Variant Server 0.00015.
gnomAD v4.1: 7 of 1,612,330 alleles (0.00043%); highest among the groups gnomAD compares: African/African-American, 0.0093%; no homozygotes.

Submissions (2):

Ambry Genetics
Classification: Uncertain significance for Inborn genetic diseases. Last evaluated: 2024-05-15. Review status: criteria provided, single submitter. Criteria: Ambry Variant Classification Scheme 2023. Collection method: clinical testing. Allele origin: germline.
Comment: The c.82-3T>C intronic alteration consists of a T to C substitution 3 nucleotides before coding exon 2 in the FAH gene. Based on insufficient or conflicting evidence, the clinical significance of this alteration remains unclear.

Labcorp Genetics (formerly Invitae), Labcorp
Classification: Uncertain significance for Tyrosinemia type I. Last evaluated: 2022-05-17. Review status: criteria provided, single submitter. Criteria: Invitae Variant Classification Sherloc (09022015). Collection method: clinical testing. Allele origin: germline.
Comment: This sequence change falls in intron 1 of the FAH gene. It does not directly change the encoded amino acid sequence of the FAH protein. It affects a nucleotide within the consensus splice site. This variant is present in population databases (rs368921640, gnomAD 0.01%). This variant has not been reported in the literature in individuals affected with FAH-related conditions. Variants that disrupt the consensus splice site are a relatively common cause of aberrant splicing (PMID: 17576681, 9536098). Algorithms developed to predict the effect of sequence changes on RNA splicing suggest that this variant is not likely to affect RNA splicing. In summary, the available evidence is currently insufficient to determine the role of this variant in disease. Therefore, it has been classified as a Variant of Uncertain Significance.

Literature cited by the submitters: PubMed 17576681 (cited by Labcorp Genetics (formerly Invitae), Labcorp); PubMed 9536098 (cited by Labcorp Genetics (formerly Invitae), Labcorp).

NM_000137.4(FAH):c.82-3T>C

Gene: FAH (fumarylacetoacetate hydrolase; plus strand). Cytogenetic location: 15q25.1.
Variant type: single nucleotide variant.
Coding change: c.82-3T>C on transcript NM_000137.4 (MANE Select); 3 bases into the intron before coding-DNA position 82, T replaced by C.
Molecular consequence: intron variant.
Genome position (GRCh38, 1-based): chr15:80,158,057, T>C. VCF-style: chr15-80158057-T-C. GRCh37 (hg19) VCF-style: chr15-80450399-T-C.
Other names: c.82-3T>C (NM_000137.2, NM_001374377.1, NM_001374380.1).
Identifiers: ClinVar variation 1388524 (VCV001388524.6), dbSNP rs368921640, ClinGen allele CA7691017.
Genomic context (GRCh38, chr15:80,158,057, plus strand): 5'-AGTAAATGAGCCAAGCCCAGCCAGGGGCTTTTTCTGGTGCTGACGGTGTCGTCTTCCTCC[T>C]AGCCAAGACCGAGGATAGGTGTGGCCATTGGCGACCAGATCCTGGACCTCAGCATCATCA-3'